The following is an entry in ClinVar:

NM_003227.4(TFR2):c.1270+1G>C

Gene: TFR2 (transferrin receptor 2; minus strand). Cytogenetic location: 7q22.1.
Variant type: single nucleotide variant.
Coding change: c.1270+1G>C on transcript NM_003227.4 (MANE Select); the canonical splice donor site of the intron after coding-DNA position 1270, G replaced by C.
Molecular consequence: splice donor variant.
Genome position (GRCh38, 1-based): chr7:100,630,888, C>G on the plus strand (G>C on the coding strand, the complement: TFR2 is on the minus strand). VCF-style: chr7-100630888-C-G. GRCh37 (hg19) VCF-style: chr7-100228511-C-G.
Other names: c.757+1G>C (NM_001206855.3).
Identifiers: ClinVar variation 845642 (VCV000845642.8), dbSNP rs1803411479, ClinGen allele CA368529163.

ClinVar aggregate classification (germline): Likely pathogenic (1 of 4 stars; one submission).

Conditions:
Hereditary hemochromatosis (HFE). Identifiers: MedGen C0392514, MONDO:0006507. Disease mechanism: loss of function.

Allele frequency attached by ClinVar (database versions not stated): gnomAD exomes 0.00001.
gnomAD v4.1: 3 of 1,612,592 alleles (0.00019%); highest among the groups gnomAD compares: Non-Finnish European, 0.00025%; no homozygotes.

Submission:

Labcorp Genetics (formerly Invitae), Labcorp
Classification: Likely pathogenic for Hereditary hemochromatosis. Last evaluated: 2019-01-05. Review status: criteria provided, single submitter. Criteria: Invitae Variant Classification Sherloc (09022015). Collection method: clinical testing. Allele origin: germline.
Comment: This sequence change affects a donor splice site in intron 9 of the TFR2 gene. It is expected to disrupt RNA splicing and likely results in an absent or disrupted protein product. This variant is not present in population databases (ExAC no frequency). This variant has not been reported in the literature in individuals with TFR2-related conditions. Donor and acceptor splice site variants typically lead to a loss of protein function (PMID: 16199547), and loss-of-function variants in TFR2 are known to be pathogenic (PMID: 23600741, 26029709). In summary, the currently available evidence indicates that the variant is pathogenic, but additional data are needed to prove that conclusively. Therefore, this variant has been classified as Likely Pathogenic.

Literature cited by the submitters: PubMed 16199547; PubMed 23600741; PubMed 26029709.